The following is an entry in ClinVar:

ClinVar aggregate classification (germline): Uncertain significance (1 of 4 stars; one submission).

Conditions:
Early-infantile DEE. Also called: Early infantile epileptic encephalopathy; Early infantile epileptic encephalopathy with suppression bursts; Ohtahara syndrome. Identifiers: Orphanet 1934, MedGen C0393706, MONDO:0800491.

Submission:

Labcorp Genetics (formerly Invitae), Labcorp
Classification: Uncertain significance for Early-infantile DEE. Last evaluated: 2023-01-28. Review status: criteria provided, single submitter. Criteria: Invitae Variant Classification Sherloc (09022015). Collection method: clinical testing. Allele origin: germline.
Comment: This sequence change replaces tyrosine, which is neutral and polar, with phenylalanine, which is neutral and non-polar, at codon 264 of the KCNQ2 protein (p.Tyr264Phe). This variant is not present in population databases (gnomAD no frequency). This variant has not been reported in the literature in individuals affected with KCNQ2-related conditions. Advanced modeling of protein sequence and biophysical properties (such as structural, functional, and spatial information, amino acid conservation, physicochemical variation, residue mobility, and thermodynamic stability) has been performed at Invitae for this missense variant, however the output from this modeling did not meet the statistical confidence thresholds required to predict the impact of this variant on KCNQ2 protein function. This variant disrupts the p.Tyr264 amino acid residue in KCNQ2. Other variant(s) that disrupt this residue have been determined to be pathogenic (PMID: 28837158). This suggests that this residue is clinically significant, and that variants that disrupt this residue are likely to be disease-causing. In summary, the available evidence is currently insufficient to determine the role of this variant in disease. Therefore, it has been classified as a Variant of Uncertain Significance.

Literature cited by the submitters: PubMed 28837158.

NM_172107.4(KCNQ2):c.791A>T (p.Tyr264Phe)

Gene: KCNQ2 (potassium voltage-gated channel subfamily Q member 2; minus strand). Cytogenetic location: 20q13.33.
Variant type: single nucleotide variant.
Coding change: c.791A>T on transcript NM_172107.4 (MANE Select); coding-DNA position 791, A replaced by T.
Protein change: p.Tyr264Phe; replaces tyrosine 264 with phenylalanine.
Molecular consequence: missense variant.
Genome position (GRCh38, 1-based): chr20:63,442,431, T>A on the plus strand (A>T on the coding strand, the complement: KCNQ2 is on the minus strand). VCF-style: chr20-63442431-T-A. GRCh37 (hg19) VCF-style: chr20-62073784-T-A.
Other names: c.791A>T, p.Tyr264Phe (NM_001382235.1, NM_004518.6, NM_172106.3 and 2 more transcripts); short protein forms Y264F.
Identifiers: ClinVar variation 2832648 (VCV002832648.3), dbSNP rs2516446339, ClinGen allele CA409653403.